The following is an entry in ClinVar:

ClinVar aggregate classification (germline): Uncertain significance. Review status: criteria provided, multiple submitters, no conflicts (2 of 4 stars). 2 submissions from 2 submitters: Uncertain significance (2). Last evaluated 2024-07-24.

gnomAD v4.1: 1 of 1,614,146 alleles (0.000062%); highest among the groups gnomAD compares: Non-Finnish European, 0.000085%; no homozygotes.

Submissions (2):

GeneDx
Classification: Uncertain significance. Last evaluated: 2024-07-24. Review status: criteria provided, single submitter. Criteria: GeneDx Variant Classification Process June 2021. Collection method: clinical testing. Allele origin: germline. Affected: yes.
Comment: Not observed at significant frequency in large population cohorts (gnomAD); Missense variant in a gene in which most reported pathogenic variants are truncating/loss of function; Has not been previously published as pathogenic or benign to our knowledge; Located in a region of TTN within the I-band in which the majority of loss of function variants are significantly associated with autosomal dominant titinopathies (PMID: 27625338, 27869827)

CeGaT Center for Human Genetics Tuebingen
Classification: Uncertain significance. Last evaluated: 2024-06-01. Review status: criteria provided, single submitter. Criteria: CeGaT Center For Human Genetics Tuebingen Variant Classification Criteria Version 2. Collection method: clinical testing. Allele origin: germline. Affected: yes. Observed: 1 variant allele.
Comment: TTN: PM2, BP4

NM_001267550.2(TTN):c.8294G>C (p.Arg2765Thr)

Gene: TTN (titin; minus strand). Cytogenetic location: 2q31.2.
Variant type: single nucleotide variant.
Coding change: c.8294G>C on transcript NM_001267550.2 (MANE Select); coding-DNA position 8294, G replaced by C.
Protein change: p.Arg2765Thr; replaces arginine 2765 with threonine.
Molecular consequence: missense variant.
Genome position (GRCh38, 1-based): chr2:178,770,498, C>G on the plus strand (G>C on the coding strand, the complement: TTN is on the minus strand). VCF-style: chr2-178770498-C-G. GRCh37 (hg19) VCF-style: chr2-179635225-C-G.
Other names: c.8294G>C, p.Arg2765Thr (NM_001256850.1, NM_133378.4, NM_133379.5); c.8156G>C, p.Arg2719Thr (NM_003319.4, NM_133432.3, NM_133437.4); short protein forms R2719T, R2765T.
Identifiers: ClinVar variation 3250837 (VCV003250837.19), dbSNP rs2532502547.
Genomic context (GRCh38, chr2:178,770,498, plus strand): 5'-CCAAGCCTTCCAAGCCTGAAGCCATAAACAGACTCATCCACGATGGCACAGTTTTTAATC[C>G]TCAGAGAGTAAATTGTTCCTTTGACAGAGATAGCATACTTTTCATTGGATTCCAGCACAA-3'
Protein context (NP_001254479.2, residues 2755-2775): ISVKGTIYSL[Arg2765Thr]IKNCAIVDES